The following is an entry in ClinVar:

ClinVar aggregate classification (germline): Likely pathogenic (1 of 4 stars; one submission).

Conditions:
Autosomal recessive limb-girdle muscular dystrophy type 2D (LGMDR3). Also called: MUSCULAR DYSTROPHY, LIMB-GIRDLE, AUTOSOMAL RECESSIVE 3; DUCHENNE-LIKE AUTOSOMAL RECESSIVE MUSCULAR DYSTROPHY, TYPE 2; ADHALINOPATHY, PRIMARY. Identifiers: Orphanet 62, MedGen C2936332, MONDO:0011968, OMIM 608099. Disease mechanism: Affects gamma-sarcoglycan and also disrupts the integrity of the entire sarcoglycan complex..

Submission:

Kariminejad - Najmabadi Pathology & Genetics Center
Classification: Likely pathogenic for Autosomal recessive limb-girdle muscular dystrophy type 2D. Last evaluated: 2024-04-16. Review status: criteria provided, single submitter. Criteria: ACMG Guidelines, 2015. Collection method: clinical testing. Allele origin: germline. Inheritance: Autosomal recessive inheritance. Affected: yes.
Comment: PVS1,PM2_M

NM_000023.4(SGCA):c.157+2T>C

Gene: SGCA (sarcoglycan alpha; plus strand). Cytogenetic location: 17q21.33.
Variant type: single nucleotide variant.
Coding change: c.157+2T>C on transcript NM_000023.4 (MANE Select); the canonical splice donor site of the intron after coding-DNA position 157, T replaced by C.
Molecular consequence: splice donor variant.
Genome position (GRCh38, 1-based): chr17:50,167,489, T>C. VCF-style: chr17-50167489-T-C. GRCh37 (hg19) VCF-style: chr17-48244850-T-C.
Other names: c.157+2T>C (NM_001135697.3).
Identifiers: ClinVar variation 3896994 (VCV003896994.1).